The following is an entry in ClinVar:

NM_001330700.2(TOP2B):c.1020T>G (p.Thr340=)

Gene: TOP2B (DNA topoisomerase II beta; minus strand). Cytogenetic location: 3p24.2.
Variant type: single nucleotide variant.
Coding change: c.1020T>G on transcript NM_001330700.2 (MANE Select); coding-DNA position 1020, T replaced by G.
Protein change: p.Thr340=; no amino-acid change (threonine 340 retained).
Molecular consequence: synonymous variant.
Genome position (GRCh38, 1-based): chr3:25,633,847, A>C on the plus strand (T>G on the coding strand, the complement: TOP2B is on the minus strand). VCF-style: chr3-25633847-A-C. GRCh37 (hg19) VCF-style: chr3-25675338-A-C.
Other names: p.Thr335=; c.1005T>G, p.Thr335= (NM_001068.3).
Identifiers: ClinVar variation 2182888 (VCV002182888.5), dbSNP rs945126519, ClinGen allele CA71656906.
Genomic context (GRCh38, chr3:25,633,847, plus strand): 5'-TTATTGAAGTACTGTTCTACCACTGACTTGGAAACAAATAATTTGCTTACTTACTTTTGT[A>C]GTTGCAATACTATTTACAAAGCTGATTTGCTGGAATCCTTTTTCACTCAATGTGAGACAA-3'
Protein context (NP_001317629.1, residues 330-350): QQISFVNSIA[Thr340=]TKGGRHVDYV

ClinVar aggregate classification (germline): Likely benign. Review status: criteria provided, multiple submitters, no conflicts (2 of 4 stars). 2 submissions from 2 submitters: Likely benign (2). Last evaluated 2025-11-05.

Allele frequency attached by ClinVar (database versions not stated): gnomAD 0.00001; gnomAD exomes 0.00001; TOPMed 0.00002.
gnomAD v4.1: 5 of 1,605,508 alleles (0.00031%); highest among the groups gnomAD compares: Non-Finnish European, 0.00042%; no homozygotes.

Submissions (2):

Mayo Clinic Laboratories, Mayo Clinic
Classification: Likely benign. Last evaluated: 2025-11-05. Review status: criteria provided, single submitter. Criteria: ACMG Guidelines, 2015. Collection method: clinical testing. Allele origin: germline. Observed: 1 variant allele.
Comment: BP4, BP7, PM2_supporting

Labcorp Genetics (formerly Invitae), Labcorp
Classification: Likely benign. Last evaluated: 2024-11-27. Review status: criteria provided, single submitter. Criteria: Invitae Variant Classification Sherloc (09022015). Collection method: clinical testing. Allele origin: germline.